The following is an entry in ClinVar:

ClinVar aggregate classification (germline): Uncertain significance (1 of 4 stars; one submission).

Conditions:
DIAPH3-related disorder. Also called: DIAPH3-related condition.

gnomAD v4.1: 9 of 1,611,682 alleles (0.00056%); highest among the groups gnomAD compares: African/African-American, 0.0067%; no homozygotes.

Submission:

PreventionGenetics, part of Exact Sciences
Classification: Uncertain significance for DIAPH3-related condition. Last evaluated: 2026-08-10. Review status: criteria provided, single submitter. Criteria: ACMG Guidelines, 2015. Collection method: clinical testing. Allele origin: germline.
Comment: The DIAPH3 c.1159A>G variant is predicted to result in the amino acid substitution p.Ile387Val. To our knowledge, this variant has not been reported in the literature. This variant is reported in 0.012% of alleles in individuals of African descent in gnomAD. At this time, the clinical significance of this variant is uncertain due to the absence of conclusive functional and genetic evidence.

NM_001042517.2(DIAPH3):c.1159A>G (p.Ile387Val)

Gene: DIAPH3 (diaphanous related formin 3; minus strand). Cytogenetic location: 13q21.2.
Variant type: single nucleotide variant.
Coding change: c.1159A>G on transcript NM_001042517.2 (MANE Select); coding-DNA position 1159, A replaced by G.
Protein change: p.Ile387Val; replaces isoleucine 387 with valine.
Molecular consequence: missense variant.
Genome position (GRCh38, 1-based): chr13:59,992,153, T>C on the plus strand (A>G on the coding strand, the complement: DIAPH3 is on the minus strand). VCF-style: chr13-59992153-T-C. GRCh37 (hg19) VCF-style: chr13-60566287-T-C.
Other names: c.1126A>G, p.Ile376Val (NM_001258366.2); c.1021A>G, p.Ile341Val (NM_001258367.2); c.949A>G, p.Ile317Val (NM_001258368.2); c.1159A>G, p.Ile387Val (NM_001258369.2); c.370A>G, p.Ile124Val (NM_001258370.2, NM_030932.4); short protein forms I124V, I317V, I387V, I341V, I376V.
Identifiers: ClinVar variation 4979756 (VCV004979756.1).